The following is an entry in ClinVar:

ClinVar aggregate classification (germline): Uncertain significance (1 of 4 stars; one submission).

Conditions:
Tuberous sclerosis 1 (TSC1). Identifiers: Orphanet 805, MedGen C1854465, MONDO:0008612, OMIM 191100.

gnomAD v4.1: 1 of 1,613,590 alleles (0.000062%); highest among the groups gnomAD compares: Non-Finnish European, 0.000085%; no homozygotes.

Submission:

Labcorp Genetics (formerly Invitae), Labcorp
Classification: Uncertain significance for Tuberous sclerosis 1. Last evaluated: 2025-11-20. Review status: criteria provided, single submitter. Criteria: Invitae Variant Classification Sherloc (09022015). Collection method: clinical testing. Allele origin: germline.
Comment: This sequence change replaces glycine, which is neutral and non-polar, with aspartic acid, which is acidic and polar, at codon 38 of the TSC1 protein (p.Gly38Asp). This variant is not present in population databases (gnomAD no frequency). This variant has not been reported in the literature in individuals affected with TSC1-related conditions. Invitae Evidence Modeling of protein sequence and biophysical properties (such as structural, functional, and spatial information, amino acid conservation, physicochemical variation, residue mobility, and thermodynamic stability) indicates that this missense variant is not expected to disrupt TSC1 protein function with a negative predictive value of 95%. In summary, the available evidence is currently insufficient to determine the role of this variant in disease. Therefore, it has been classified as a Variant of Uncertain Significance.

NM_000368.5(TSC1):c.113G>A (p.Gly38Asp)

Gene: TSC1 (TSC complex subunit 1; minus strand). Cytogenetic location: 9q34.13.
Variant type: single nucleotide variant.
Coding change: c.113G>A on transcript NM_000368.5 (MANE Select); coding-DNA position 113, G replaced by A.
Protein change: p.Gly38Asp; replaces glycine 38 with aspartic acid.
Molecular consequence: missense variant. On other transcripts: 5 prime UTR variant (9), non-coding transcript variant (4), intron variant (9).
Genome position (GRCh38, 1-based): chr9:132,927,298, C>T on the plus strand (G>A on the coding strand, the complement: TSC1 is on the minus strand). VCF-style: chr9-132927298-C-T. GRCh37 (hg19) VCF-style: chr9-135802685-C-T.
Other names: c.113G>A, p.Gly38Asp (NM_001162426.2, NM_001162427.2, NM_001406592.1 and 21 more transcripts); c.-376G>A (NM_001406615.1, NM_001406623.1); c.-343G>A (NM_001406616.1, NM_001406624.1); c.-765G>A (NM_001406626.1, NM_001406627.1, NM_001406628.1); c.-907G>A (NM_001406629.1); c.-981G>A (NM_001406630.1); c.-153-1559G>A (NM_001406620.1, NM_001406618.1); c.-154+1469G>A (NM_001406625.1, NM_001406621.1, NM_001406617.1 and 3 more transcripts); and 1 more; short protein forms G38D.
Identifiers: ClinVar variation 4709620 (VCV004709620.1).
Genomic context (GRCh38, chr9:132,927,298, plus strand): 5'-AATGCCGGCTGAGAGCTGGTTTCCAGGTAATAATCCACCAAGGTGTTTACAAGCATAGGG[C>T]CACGGTCTAAATCAAGAAAAGGGCAATGGATGATACTTATTCCCCTTAACATCCTAAATT-3'
Protein context (NP_000359.1, residues 28-48): VFKENLNSDR[Gly38Asp]PMLVNTLVDY